The following is an entry in ClinVar:

ClinVar aggregate classification (germline): Conflicting classifications of pathogenicity. Review status: criteria provided, conflicting classifications (1 of 4 stars). 3 submissions from 3 submitters: Uncertain significance (2); Likely benign (1). Last evaluated 2025-10-23.

Conditions:
Hereditary breast ovarian cancer syndrome. Also called: Breast and ovarian cancer; BRCA1- and BRCA2-Associated Hereditary Breast and Ovarian Cancer; Hereditary breast and ovarian cancer syndrome (HBOC); Hereditary breast and ovarian cancer; Hereditary breast and/or ovarian cancer syndrome; Hereditary breast and ovarian cancer syndrome. Identifiers: Orphanet 145, MedGen C0677776, MeSH D061325, MONDO:0003582. Disease mechanism: loss of function.
Hereditary cancer-predisposing syndrome. Also called: Tumor predisposition; Neoplastic Syndromes, Hereditary; Hereditary neoplastic syndrome; Hereditary Cancer Syndrome. Identifiers: Orphanet 140162, MedGen C0027672, MeSH D009386, MONDO:0015356.

Allele frequency attached by ClinVar (database versions not stated): TOPMed 0.00001.

Submissions (3):

Ambry Genetics
Classification: Likely benign for Hereditary cancer-predisposing syndrome. Last evaluated: 2025-10-23. Review status: criteria provided, single submitter. Criteria: Ambry Variant Classification Scheme 2023. Collection method: clinical testing. Allele origin: germline.

Labcorp Genetics (formerly Invitae), Labcorp
Classification: Uncertain significance for Hereditary breast ovarian cancer syndrome. Last evaluated: 2020-04-03. Review status: criteria provided, single submitter. Criteria: Invitae Variant Classification Sherloc (09022015). Collection method: clinical testing. Allele origin: germline.
Comment: In summary, the available evidence is currently insufficient to determine the role of this variant in disease. Therefore, it has been classified as a Variant of Uncertain Significance. This variant is not present in population databases (ExAC no frequency). This sequence change replaces leucine with valine at codon 2898 of the BRCA2 protein (p.Leu2898Val). The leucine residue is highly conserved and there is a small physicochemical difference between leucine and valine. This variant has not been reported in the literature in individuals with BRCA2-related disease. Algorithms developed to predict the effect of missense changes on protein structure and function (SIFT, PolyPhen-2, Align-GVGD) all suggest that this variant is likely to be disruptive, but these predictions have not been confirmed by published functional studies and their clinical significance is uncertain.

Women's Health and Genetics/Laboratory Corporation of America, LabCorp
Classification: Uncertain significance. Last evaluated: 2016-02-01. Review status: criteria provided, single submitter. Criteria: LabCorp Variant Classification Summary - May 2015. Collection method: clinical testing. Allele origin: germline.

NM_000059.4(BRCA2):c.8692T>G (p.Leu2898Val)

Gene: BRCA2 (BRCA2 DNA repair associated; plus strand). Cytogenetic location: 13q13.1.
Variant type: single nucleotide variant.
Coding change: c.8692T>G on transcript NM_000059.4 (MANE Select); coding-DNA position 8692, T replaced by G.
Protein change: p.Leu2898Val; replaces leucine 2898 with valine.
Molecular consequence: missense variant.
Genome position (GRCh38, 1-based): chr13:32,376,729, T>G. VCF-style: chr13-32376729-T-G. GRCh37 (hg19) VCF-style: chr13-32950866-T-G.
Other names: short protein forms L2898V.
Identifiers: ClinVar variation 495510 (VCV000495510.10), dbSNP rs1555288160, ClinGen allele CA387754814.